The following is an entry in ClinVar:

NM_000219.6(KCNE1):c.138C>G (p.Tyr46Ter)

Gene: KCNE1 (potassium voltage-gated channel subfamily E regulatory subunit 1; minus strand). Cytogenetic location: 21q22.12.
Variant type: single nucleotide variant.
Coding change: c.138C>G on transcript NM_000219.6 (MANE Select); coding-DNA position 138, C replaced by G.
Protein change: p.Tyr46Ter; replaces tyrosine 46 with a stop codon.
Molecular consequence: nonsense.
Genome position (GRCh38, 1-based): chr21:34,449,497, G>C on the plus strand (C>G on the coding strand, the complement: KCNE1 is on the minus strand). VCF-style: chr21-34449497-G-C. GRCh37 (hg19) VCF-style: chr21-35821795-G-C.
Other names: c.138C>G, p.Tyr46Ter (NM_001127668.4, NM_001127669.4, NM_001127670.4 and 4 more transcripts); short protein forms Y46*.
Identifiers: ClinVar variation 3374150 (VCV003374150.2).

Conditions:
Long QT syndrome 5 (LQT5). Identifiers: Orphanet 101016, Orphanet 768, MedGen C1867904, MONDO:0013372, OMIM 613695.

Submission:

Roden Lab, Vanderbilt University Medical Center
No classification provided (evidence only). Condition: Long QT syndrome 5. Review status: no classification provided. Collection method: in vitro. Allele origin: not applicable. Functional consequence: Effect on ion channel function.
ClinVar note: "not provided" was previously submitted as the classification for the variant. However, the classification appeared to be based only on an observation of functional data so it was converted to no classification on 2025-07-30.